The following is an entry in ClinVar:

NM_006096.4(NDRG1):c.1136G>A (p.Gly379Asp)

Gene: NDRG1 (N-myc downstream regulated 1; minus strand). Cytogenetic location: 8q24.22.
Variant type: single nucleotide variant.
Coding change: c.1136G>A on transcript NM_006096.4 (MANE Select); coding-DNA position 1136, G replaced by A.
Protein change: p.Gly379Asp; replaces glycine 379 with aspartic acid.
Molecular consequence: missense variant.
Genome position (GRCh38, 1-based): chr8:133,238,927, C>T on the plus strand (G>A on the coding strand, the complement: NDRG1 is on the minus strand). VCF-style: chr8-133238927-C-T. GRCh37 (hg19) VCF-style: chr8-134251170-C-T.
Other names: c.1136G>A, p.Gly379Asp (NM_001135242.2, NM_001374845.1, NM_001374846.1); c.938G>A, p.Gly313Asp (NM_001258432.2, NM_001374847.1); c.893G>A, p.Gly298Asp (NM_001258433.2); c.1187G>A, p.Gly396Asp (NM_001374844.1); short protein forms G379D, G396D, G313D, G298D.
Identifiers: ClinVar variation 1396235 (VCV001396235.4), dbSNP rs1417950013, ClinGen allele CA372254275.

ClinVar aggregate classification (germline): Uncertain significance (1 of 4 stars; one submission).

Conditions:
Charcot-Marie-Tooth disease type 4. Also called: Charcot-Marie-Tooth, Type 4; Charcot-Marie-Tooth disease, type IV. Identifiers: Orphanet 64749, MedGen C4082197, MONDO:0018995.

Allele frequency attached by ClinVar (database versions not stated): gnomAD exomes below 0.00001; gnomAD 0.00001; TOPMed 0.00002.
gnomAD v4.1: 4 of 1,565,082 alleles (0.00026%); highest among the groups gnomAD compares: East Asian, 0.007%; no homozygotes.

Submission:

Labcorp Genetics (formerly Invitae), Labcorp
Classification: Uncertain significance for Charcot-Marie-Tooth disease type 4. Last evaluated: 2021-10-29. Review status: criteria provided, single submitter. Criteria: Invitae Variant Classification Sherloc (09022015). Collection method: clinical testing. Allele origin: germline.
Comment: In summary, the available evidence is currently insufficient to determine the role of this variant in disease. Therefore, it has been classified as a Variant of Uncertain Significance. Algorithms developed to predict the effect of missense changes on protein structure and function (SIFT, PolyPhen-2, Align-GVGD) all suggest that this variant is likely to be tolerated. This variant has not been reported in the literature in individuals affected with NDRG1-related conditions. The frequency data for this variant in the population databases is considered unreliable, as metrics indicate poor data quality at this position in the gnomAD database. This sequence change replaces glycine, which is neutral and non-polar, with aspartic acid, which is acidic and polar, at codon 379 of the NDRG1 protein (p.Gly379Asp).